The following is an entry in ClinVar:

NM_001367624.2(ZNF469):c.2624G>A (p.Gly875Asp)

Gene: ZNF469 (zinc finger protein 469; plus strand). Cytogenetic location: 16q24.2.
Variant type: single nucleotide variant.
Coding change: c.2624G>A on transcript NM_001367624.2 (MANE Select); coding-DNA position 2624, G replaced by A.
Protein change: p.Gly875Asp; replaces glycine 875 with aspartic acid.
Molecular consequence: missense variant.
Genome position (GRCh38, 1-based): chr16:88,430,094, G>A. VCF-style: chr16-88430094-G-A. GRCh37 (hg19) VCF-style: chr16-88496502-G-A.
Other names: NM_001127464.1:c.2624G>A; short protein forms G875D.
Identifiers: ClinVar variation 2499206 (VCV002499206.1), dbSNP rs1378874039, ClinGen allele CA397074033.
Genomic context (GRCh38, chr16:88,430,094, plus strand): 5'-CGGACAACCCGGAGATCGACAGCAGCTTCATCGACGTCTTCGCGGACGAGGAGCCTTCCG[G>A]CCCCAGAGGTCCCAGCTCCGGACACCCCCTTAAGAGCAAGGCGGGGGTGACTCCAGAGAG-3'
Protein context (NP_001354553.1, residues 865-885): IDVFADEEPS[Gly875Asp]PRGPSSGHPL

ClinVar aggregate classification (germline): Uncertain significance (1 of 4 stars; one submission).

gnomAD v4.1: 1 of 1,542,410 alleles (0.000065%); highest among the groups gnomAD compares: East Asian, 0.0024%; no homozygotes.

Submission:

GeneDx
Classification: Uncertain significance. Last evaluated: 2022-10-13. Review status: criteria provided, single submitter. Criteria: GeneDx Variant Classification Process June 2021. Collection method: clinical testing. Allele origin: germline. Affected: yes.
Comment: Not observed at significant frequency in large population cohorts (gnomAD); In silico analysis supports that this missense variant has a deleterious effect on protein structure/function; Has not been previously published as pathogenic or benign to our knowledge